The following is an entry in ClinVar:

NM_007194.4(CHEK2):c.568G>A (p.Ala190Thr)

Gene: CHEK2 (checkpoint kinase 2; minus strand). Cytogenetic location: 22q12.1.
Variant type: single nucleotide variant.
Coding change: c.568G>A on transcript NM_007194.4 (MANE Select); coding-DNA position 568, G replaced by A.
Protein change: p.Ala190Thr; replaces alanine 190 with threonine.
Molecular consequence: missense variant. On other transcripts: 5 prime UTR variant (2), intron variant (1).
Genome position (GRCh38, 1-based): chr22:28,725,001, C>T on the plus strand (G>A on the coding strand, the complement: CHEK2 is on the minus strand). VCF-style: chr22-28725001-C-T. GRCh37 (hg19) VCF-style: chr22-29120989-C-T.
Other names: c.697G>A, p.Ala233Thr (NM_001005735.3, NM_001438294.1); c.-210G>A (NM_001257387.3); c.-96G>A (NM_001437942.1); c.661G>A, p.Ala221Thr (NM_001438293.1, NM_001438295.1); c.568G>A, p.Ala190Thr (NM_145862.3); c.445-78G>A (NM_001349956.3); short protein forms A190T, A233T, A221T.
Identifiers: ClinVar variation 575915 (VCV000575915.16), dbSNP rs764852525, ClinGen allele CA10167981.

ClinVar aggregate classification (germline): Uncertain significance. Review status: criteria provided, multiple submitters, no conflicts (2 of 4 stars). 4 submissions from 4 submitters: Uncertain significance (4). Last evaluated 2026-01-01.

Conditions:
Hereditary cancer-predisposing syndrome. Also called: Tumor predisposition; Hereditary Cancer Syndrome; Hereditary neoplastic syndrome; Neoplastic Syndromes, Hereditary. Identifiers: Orphanet 140162, MedGen C0027672, MeSH D009386, MONDO:0015356.
Familial cancer of breast. Also called: BREAST CANCER, FAMILIAL; hereditary breast carcinoma; Hereditary breast cancer. Identifiers: Orphanet 227535, MedGen C0346153, MONDO:0016419, OMIM 114480. Disease mechanism: loss of function.

Allele frequency attached by ClinVar (database versions not stated): ExAC 0.00001.

Submissions (4):

CeGaT Center for Human Genetics Tuebingen
Classification: Uncertain significance. Last evaluated: 2026-01-01. Review status: criteria provided, single submitter. Criteria: CeGaT Center For Human Genetics Tuebingen Variant Classification Criteria Version 2. Collection method: clinical testing. Allele origin: germline. Affected: yes. Observed: 1 variant allele.
Comment: CHEK2: PM2

Dasa
Classification: Uncertain significance. Last evaluated: 2024-12-09. Review status: criteria provided, single submitter. Criteria: DASA Assertion Criteria. Collection method: clinical testing. Allele origin: germline.
Comment: NM_007194.4(CHEK2):c.568G>A (p.Ala190Thr) is a missense variant that results in the substitution of alanine with threonine. This variant is rare in population databases. The currently available literature and clinical evidence are not sufficient to establish a definitive association between this variant and the reported condition. Therefore, this variant is classified as a variant of uncertain significance.

Labcorp Genetics (formerly Invitae), Labcorp
Classification: Uncertain significance for Familial cancer of breast. Last evaluated: 2024-10-02. Review status: criteria provided, single submitter. Criteria: Invitae Variant Classification Sherloc (09022015). Collection method: clinical testing. Allele origin: germline.
Comment: This sequence change replaces alanine, which is neutral and non-polar, with threonine, which is neutral and polar, at codon 190 of the CHEK2 protein (p.Ala190Thr). This variant is not present in population databases (gnomAD no frequency). This variant has not been reported in the literature in individuals affected with CHEK2-related conditions. ClinVar contains an entry for this variant (Variation ID: 575915). An algorithm developed to predict the effect of missense changes on protein structure and function (PolyPhen-2) suggests that this variant is likely to be disruptive. In summary, the available evidence is currently insufficient to determine the role of this variant in disease. Therefore, it has been classified as a Variant of Uncertain Significance.

Ambry Genetics
Classification: Uncertain significance for Hereditary cancer-predisposing syndrome. Last evaluated: 2024-05-31. Review status: criteria provided, single submitter. Criteria: Ambry Variant Classification Scheme 2023. Collection method: clinical testing. Allele origin: germline.
Comment: The p.A190T variant (also known as c.568G>A), located in coding exon 3 of the CHEK2 gene, results from a G to A substitution at nucleotide position 568. The alanine at codon 190 is replaced by threonine, an amino acid with similar properties. This amino acid position is conserved. In addition, the in silico prediction for this alteration is inconclusive. Based on the available evidence, the clinical significance of this variant remains unclear.